The following is an entry in ClinVar:

NM_152743.4(BRAT1):c.1297del (p.Leu433fs)

Gene: BRAT1 (BRCA1 associated ATM activator 1; minus strand). Cytogenetic location: 7p22.3.
Variant type: Deletion.
Coding change: c.1297del on transcript NM_152743.4 (MANE Select); coding-DNA position 1297, one base deleted (C; older notation c.1297delC).
Protein change: p.Leu433fs; shifts the reading frame from leucine 433.
Molecular consequence: frameshift variant. On other transcripts: non-coding transcript variant (1).
Genome position (GRCh38, 1-based): chr7:2,541,322, G deleted on the plus strand (C on the coding strand, the reverse complement: BRAT1 is on the minus strand); the first of 2 consecutive G bases (chr7:2,541,322-2,541,323); deleting either gives the same sequence. VCF-style (leftmost placement, unchanged base first): chr7-2541321-AG-A. GRCh37 (hg19) VCF-style: chr7-2580955-AG-A.
Other names: c.1297del, p.Leu433fs (NM_001350626.2); c.772del, p.Leu258fs (NM_001350627.2); short protein forms L433fs, L258fs.
Identifiers: ClinVar variation 2819316 (VCV002819316.3), dbSNP rs2534344262, ClinGen allele CA2739266224.

ClinVar aggregate classification (germline): Pathogenic (1 of 4 stars; one submission).

Conditions:
Neonatal-onset encephalopathy with rigidity and seizures. Also called: Lethal neonatal spasticity-epileptic encephalopathy syndrome. Identifiers: Orphanet 435845, MedGen C3281029, MONDO:0013784, OMIM 614498.

Submission:

Labcorp Genetics (formerly Invitae), Labcorp
Classification: Pathogenic for Neonatal-onset encephalopathy with rigidity and seizures. Last evaluated: 2022-12-29. Review status: criteria provided, single submitter. Criteria: Invitae Variant Classification Sherloc (09022015). Collection method: clinical testing. Allele origin: germline.
Comment: For these reasons, this variant has been classified as Pathogenic. This variant has not been reported in the literature in individuals affected with BRAT1-related conditions. This variant is not present in population databases (gnomAD no frequency). This sequence change creates a premature translational stop signal (p.Leu433Trpfs*14) in the BRAT1 gene. It is expected to result in an absent or disrupted protein product. Loss-of-function variants in BRAT1 are known to be pathogenic (PMID: 22279524, 25500575).

Literature cited by the submitters: PubMed 22279524; PubMed 25500575.